The following is an entry in ClinVar:

ClinVar aggregate classification (germline): Pathogenic (1 of 4 stars; one submission).

Conditions:
Duchenne muscular dystrophy (DMD). Also called: MUSCULAR DYSTROPHY, PSEUDOHYPERTROPHIC PROGRESSIVE, DUCHENNE TYPE; Duchenne Muscular Dystrophy (DMD). Identifiers: Orphanet 98896, MedGen C0013264, MONDO:0010679, OMIM 310200.

Submission:

Labcorp Genetics (formerly Invitae), Labcorp
Classification: Pathogenic for Duchenne muscular dystrophy. Last evaluated: 2025-12-14. Review status: criteria provided, single submitter. Criteria: Invitae Variant Classification Sherloc (09022015). Collection method: clinical testing. Allele origin: germline.
Comment: This sequence change creates a premature translational stop signal (p.Gln2634Alafs*9) in the DMD gene. It is expected to result in an absent or disrupted protein product. Loss-of-function variants in DMD are known to be pathogenic (PMID: 16770791, 25007885). This variant is not present in population databases (gnomAD no frequency). This variant has not been reported in the literature in individuals affected with DMD-related conditions. For these reasons, this variant has been classified as Pathogenic.

Literature cited by the submitters: PubMed 16770791; PubMed 25007885.

NM_004006.3(DMD):c.7899dup (p.Gln2634fs)

Gene: DMD (dystrophin; minus strand). Cytogenetic location: Xp21.1.
Variant type: Duplication.
Coding change: c.7899dup on transcript NM_004006.3 (MANE Select); coding-DNA position 7899, one base duplicated (G; older notation c.7899dupG).
Protein change: p.Gln2634fs; shifts the reading frame from glutamine 2634.
Molecular consequence: frameshift variant.
Genome position (GRCh38, 1-based): chrX:31,658,118, C duplicated on the plus strand (G on the coding strand, the reverse complement: DMD is on the minus strand); the first of 2 consecutive C bases (chrX:31,658,118-31,658,119); duplicating either gives the same sequence. VCF-style (leftmost placement, unchanged base first): chrX-31658117-G-GC. GRCh37 (hg19) VCF-style: chrX-31676234-G-GC.
Other names: c.7875dup, p.Gln2626fs (NM_000109.4); c.7887dup, p.Gln2630fs (NM_004009.3); c.7530dup, p.Gln2511fs (NM_004010.3); c.3876dup, p.Gln1293fs (NM_004011.4); c.3867dup, p.Gln1290fs (NM_004012.4); c.519dup, p.Gln174fs (NM_004013.3, NM_004020.4, NM_004021.3 and 2 more transcripts); short protein forms Q174fs, Q2626fs, Q2630fs, Q2634fs, Q1290fs, Q1293fs, Q2511fs.
Identifiers: ClinVar variation 4718588 (VCV004718588.1).
Genomic context (GRCh38, chrX:31,658,117, plus strand): 5'-CTGCAGAATAATCCCGGAGAAGTTTCAGGGCCAAGTCATTTGCCACATCTACATTTGTCT[G>GC]CCACTGGCGGAGGTCTTTGGCCAACTGCTATAGATTTTTATGAGAAAGAGAATGAATGTC-3'